The following is an entry in ClinVar:

ClinVar aggregate classification (germline): Conflicting classifications of pathogenicity. Review status: criteria provided, conflicting classifications (1 of 4 stars). 19 submissions from 19 submitters: Uncertain significance (16); Likely benign (1). 2 of the submissions do not count toward it. Last evaluated 2026-08-06.

Conditions:
ATM-related disorder. Also called: ATM-related disorders; ATM-related condition.
ATM-related cancer predisposition. Also called: ATM-related cancer susceptibility. Identifiers: MedGen CN377759, MONDO:0700270.
Familial cancer of breast. Also called: hereditary breast carcinoma; BREAST CANCER, FAMILIAL; Hereditary breast cancer. Identifiers: Orphanet 227535, MedGen C0346153, MONDO:0016419, OMIM 114480. Disease mechanism: loss of function.
Ataxia-telangiectasia syndrome (AT). Also called: ATAXIA-TELANGIECTASIA, COMPLEMENTATION GROUP A; ATAXIA-TELANGIECTASIA, FRESNO VARIANT; Ataxia-telangiectasia; Ataxia-telangiectasia, complementation group E; Cerebello-oculocutaneous telangiectasia; Immunodeficiency with ataxia telangiectasia. Identifiers: Orphanet 100, MedGen C0004135, MONDO:0008840, OMIM 208900.
Hereditary cancer-predisposing syndrome. Also called: Hereditary Cancer Syndrome; Tumor predisposition; Neoplastic Syndromes, Hereditary; Hereditary neoplastic syndrome. Identifiers: Orphanet 140162, MedGen C0027672, MeSH D009386, MONDO:0015356.

Allele frequency attached by ClinVar (database versions not stated): ESP Exome Variant Server 0.00008; gnomAD exomes 0.00002 and 0.00003; gnomAD 0.00017 and 0.00015; ExAC 0.00001; TOPMed 0.00025.
gnomAD v4.1: 48 of 1,612,666 alleles (0.003%); highest among the groups gnomAD compares: African/African-American, 0.048%; no homozygotes.

Submissions 1 to 11 of 19:

OLLIN Analises Genomicas, OLLIN
Classification: Uncertain significance for Familial cancer of breast. Last evaluated: 2026-08-06. Review status: criteria provided, single submitter. Criteria: ACMG Guidelines 2015 PMID 25741868. Collection method: clinical testing. Allele origin: germline. Inheritance: Autosomal recessive inheritance.
Comment: This missense variant, located in exon 51 (of 63), has been reported in ClinVar (accession VCV000181983.42) and in gnomAD with an allele frequency of 0.003%. However, to our knowledge, it has not been reported in the scientific literature. In silico analysis predicts that this variant has a deleterious effect. According to the currently available evidence, this variant has been classified as uncertain significance (PP3).

Dasa
Classification: Uncertain significance for ATM-related cancer predisposition. Last evaluated: 2026-04-22. Review status: criteria provided, single submitter. Criteria: DASA Assertion Criteria. Collection method: clinical testing. Allele origin: germline.
Comment: NM_000051.4(ATM):c.7552C>T (p.Pro2518Ser) is a missense variant that results in the substitution of proline with serine. This variant has been recurrently observed in individuals with ATM-related cancer predisposition (PMID: 25186627; PMID: 28135145; PMID: 32832836; PMID: 31871109; PMID: 34326862). Multiple computational predictions support a deleterious effect on the gene or gene product. The variant is present at low frequency in population datasets. Based on the available data, this variant is classified as variant of uncertain significance.

Myriad Genetics, Inc.
Classification: Likely benign for Familial cancer of breast. Last evaluated: 2026-03-31. Review status: criteria provided, single submitter. Criteria: Myriad Autosomal Dominant, Autosomal Recessive and X-Linked Classification Criteria (2023). Collection method: clinical testing. Allele origin: unknown.
Comment: This variant is considered likely benign. This variant is strongly associated with less severe personal and family histories of cancer, typical for individuals without pathogenic variants in this gene [PMID: 25085752].

PreventionGenetics, part of Exact Sciences
Classification: Uncertain significance for ATM-related condition. Last evaluated: 2026-03-23. Review status: criteria provided, single submitter. Criteria: ACMG Guidelines, 2015. Collection method: clinical testing. Allele origin: germline.
Comment: The ATM c.7552C>T variant is predicted to result in the amino acid substitution p.Pro2518Ser. This variant has been reported in at least one individual with colorectal cancer (Yurgelun et al. 2017. PubMed ID: 28135145) and individuals with a personal and/or family history of breast cancer (Adedokun et al. 2019. PubMed ID: 31871109; Pereira et al. 2022. PubMed ID: 35980532). This variant is reported in 0.036% of alleles in individuals of African descent in gnomAD and is reported as uncertain in ClinVar (Variation ID:181983). At this time, the clinical significance of this variant is uncertain due to the absence of conclusive functional and genetic evidence.

Labcorp Genetics (formerly Invitae), Labcorp
Classification: Uncertain significance for Ataxia-telangiectasia syndrome. Last evaluated: 2026-01-26. Review status: criteria provided, single submitter. Criteria: Invitae Variant Classification Sherloc (09022015). Collection method: clinical testing. Allele origin: germline.
Comment: This sequence change replaces proline, which is neutral and non-polar, with serine, which is neutral and polar, at codon 2518 of the ATM protein (p.Pro2518Ser). This variant is present in population databases (rs374876799, gnomAD 0.03%). This missense change has been observed in individual(s) with colorectal cancer and ovarian cancer/breast cancer (PMID: 25186627, 28135145, 34326862, 35980532). ClinVar contains an entry for this variant (Variation ID: 181983). Invitae Evidence Modeling of protein sequence and biophysical properties (such as structural, functional, and spatial information, amino acid conservation, physicochemical variation, residue mobility, and thermodynamic stability) has been performed for this missense variant. However, the output from this modeling did not meet the statistical confidence thresholds required to predict the impact of this variant on ATM protein function. In summary, the available evidence is currently insufficient to determine the role of this variant in disease. Therefore, it has been classified as a Variant of Uncertain Significance.

Women's Health and Genetics/Laboratory Corporation of America, LabCorp
Classification: Uncertain significance. Last evaluated: 2025-05-08. Review status: criteria provided, single submitter. Criteria: LabCorp Variant Classification Summary - May 2015. Collection method: clinical testing. Allele origin: germline.
Comment: Variant summary: ATM c.7552C>T (p.Pro2518Ser) results in a non-conservative amino acid change located in the PIK-related kinase domain (IPR014009) of the encoded protein sequence. Algorithms developed to predict the effect of missense changes on protein structure and function all suggest that this variant is likely to be disruptive. The variant allele was found at a frequency of 2.8e-05 in 251148 control chromosomes (gnomAD). The available data on variant occurrences in the general population are insufficient to allow any conclusion about variant significance. c.7552C>T has been observed in the literature as a VUS in settings of multigene panel testing for hereditary cancer (e.g., Tung_2015, Yurgelun_2017, Bhai_2021). These reports do not provide unequivocal conclusions about association of the variant with Ataxia-Telangiectasia. To our knowledge, no experimental evidence demonstrating an impact on protein function has been reported. The following publications have been ascertained in the context of this evaluation (PMID: 34326862, 35980532, 25186627, 28135145). ClinVar contains an entry for this variant (Variation ID: 181983). Based on the evidence outlined above, the variant was classified as uncertain significance.

Color Diagnostics, LLC DBA Color Health
Classification: Uncertain significance for Hereditary cancer-predisposing syndrome. Last evaluated: 2025-04-15. Review status: criteria provided, single submitter. Criteria: ACMG Guidelines, 2015. Collection method: clinical testing. Allele origin: germline.
Comment: This missense variant replaces proline with serine at codon 2518 of the ATM protein. Computational prediction suggests that this variant may have deleterious impact on protein structure and function. To our knowledge, functional studies have not been reported for this variant. This variant has been reported in individuals affected with breast cancer (PMID: 25186627, 31871109), ovarian cancer (PMID: 34326862), prostate cancer (PMID: 32832836) and colorectal cancer (PMID: 28135145) in the literature. This variant has also been identified in 12/282310 chromosomes in the general population by the Genome Aggregation Database (gnomAD). The available evidence is insufficient to determine the role of this variant in disease conclusively. Therefore, this variant is classified as a Variant of Uncertain Significance.

GeneDx
Classification: Uncertain significance. Last evaluated: 2025-03-27. Review status: criteria provided, single submitter. Criteria: GeneDx Variant Classification Process June 2021. Collection method: clinical testing. Allele origin: germline. Affected: yes.
Comment: Observed in individuals with a personal or family history of breast, colorectal, prostate or other cancers (PMID: 25186627, 28135145, 32832836, 34326862, 35980532); In silico analysis supports that this missense variant has a deleterious effect on protein structure/function; This variant is associated with the following publications: (PMID: 25186627, 28991257, 31871109, 28135145, 32832836, 34326862, 35980532, Cozette2024[CaseReport], 23532176, 40105422)

Athena Diagnostics
Classification: Uncertain significance. Last evaluated: 2024-12-18. Review status: criteria provided, single submitter. Criteria: Athena Diagnostics Criteria. Collection method: clinical testing. Allele origin: unknown.
Comment: Available data are insufficient to determine the clinical significance of the variant at this time. The frequency of this variant in the general population is higher than would generally be expected for pathogenic variants in this gene. Polyphen and MutationTaster predict this amino acid change may be damaging to the protein.

Quest Diagnostics Nichols Institute San Juan Capistrano
Classification: Uncertain significance. Last evaluated: 2024-12-18. Review status: criteria provided, single submitter. Criteria: Quest Diagnostics criteria. Collection method: clinical testing. Allele origin: unknown.

Fulgent Genetics
Classification: Uncertain significance for Familial cancer of breast; Ataxia-telangiectasia syndrome. Last evaluated: 2024-06-13. Review status: criteria provided, single submitter. Criteria: ACMG Guidelines, 2015. Collection method: clinical testing. Allele origin: germline.

NM_000051.4(ATM):c.7552C>T (p.Pro2518Ser)

Genes: ATM (ATM serine/threonine kinase; plus strand), C11orf65 (chromosome 11 open reading frame 65; minus strand). Cytogenetic location: 11q22.3.
Variant type: single nucleotide variant.
Coding change: c.7552C>T on transcript NM_000051.4 (MANE Select); coding-DNA position 7552, C replaced by T.
Protein change: p.Pro2518Ser; replaces proline 2518 with serine.
Molecular consequence: missense variant. On other transcripts: non-coding transcript variant (1), intron variant (2).
Genome position (GRCh38, 1-based): chr11:108,331,480, C>T. VCF-style: chr11-108331480-C-T. GRCh37 (hg19) VCF-style: chr11-108202207-C-T.
Other names: p.P2518S:CCT>TCT; p.Pro2518Ser; c.7552C>T, p.Pro2518Ser (NM_001351834.2); c.641-22409G>A (NM_001330368.2); c.*38+3740G>A (NM_001351110.2); c.7552C>T (NM_000051.2); short protein forms P2518S.
Identifiers: ClinVar variation 181983 (VCV000181983.43), dbSNP rs374876799, ClinGen allele CA298322.